The following is an entry in ClinVar:

ClinVar aggregate classification (germline): Uncertain significance (1 of 4 stars; one submission).

gnomAD v4.1: 1 of 1,211,934 alleles (0.000083%); highest among the groups gnomAD compares: Non-Finnish European, 0.00011%; no homozygotes.

Submission:

GeneDx
Classification: Uncertain significance. Last evaluated: 2025-05-08. Review status: criteria provided, single submitter. Criteria: GeneDx Variant Classification Process June 2021. Collection method: clinical testing. Allele origin: germline. Affected: yes.
Comment: Not observed at significant frequency in large population cohorts (gnomAD); In silico analysis suggests that this missense variant does not alter protein structure/function, but splice predictors indicate that the variant may lead to abnormal gene splicing; Has not been previously published as pathogenic or benign to our knowledge

NM_000330.4(RS1):c.326+1101C>T

Genes: CDKL5 (cyclin dependent kinase like 5; plus strand), RS1 (retinoschisin 1; minus strand). Cytogenetic location: Xp22.13.
Variant type: single nucleotide variant.
Coding change: c.326+1101C>T on transcript NM_000330.4 (MANE Select); 1101 bases into the intron after coding-DNA position 326, C replaced by T.
Molecular consequence: intron variant. On other transcripts: missense variant (2).
Genome position (GRCh38, 1-based): chrX:18,646,090, G>A on the plus strand (C>T on the coding strand, the complement: RS1 is on the minus strand). VCF-style: chrX-18646090-G-A. GRCh37 (hg19) VCF-style: chrX-18664210-G-A.
Other names: c.2797G>A, p.Gly933Arg (NM_001037343.2, NM_003159.3); short protein forms G933R.
Identifiers: ClinVar variation 4527983 (VCV004527983.1).